The following is an entry in ClinVar:

ClinVar aggregate classification (germline): Benign (1 of 4 stars; one submission).

Conditions:
Familial hemophagocytic lymphohistiocytosis 3 (FHL3). Also called: UNC13D-Related Familial Hemophagocytic Lymphohistiocytosis (UNC13D-fHLH). Identifiers: Orphanet 540, MedGen C1837174, MONDO:0012146, OMIM 608898.

Allele frequency attached by ClinVar (database versions not stated): gnomAD 0.00936 and 0.01012; 1000 Genomes Project 0.00998; 1000 Genomes Project 30x 0.01077; TOPMed 0.01107.
gnomAD v4.1: 1,914 of 658,788 alleles (0.29%); highest among the groups gnomAD compares: African/African-American, 3.1%; 23 homozygotes.

Submission:

Illumina Laboratory Services, Illumina
Classification: Benign for Familial hemophagocytic lymphohistiocytosis 3. Last evaluated: 2018-01-13. Review status: criteria provided, single submitter. Criteria: ICSL Variant Classification Criteria 13 December 2019. Collection method: clinical testing. Allele origin: germline.
Comment: This variant was observed in the ICSL laboratory as part of a predisposition screen in an ostensibly healthy population. It had not been previously curated by ICSL or reported in the Human Gene Mutation Database (HGMD: prior to June 1st, 2018), and was therefore a candidate for classification through an automated scoring system. Utilizing variant allele frequency, disease prevalence and penetrance estimates, and inheritance mode, an automated score was calculated to assess if this variant is too frequent to cause the disease. Based on the score and internal cut-off values, a variant classified as benign is not then subjected to further curation. The score for this variant resulted in a classification of benign for this disease.

NM_199242.3(UNC13D):c.*658G>A

Gene: UNC13D (unc-13 homolog D; minus strand). Cytogenetic location: 17q25.1.
Variant type: single nucleotide variant.
Coding change: c.*658G>A on transcript NM_199242.3 (MANE Select); 658 bases downstream of the stop codon, G replaced by A.
Molecular consequence: 3 prime UTR variant.
Genome position (GRCh38, 1-based): chr17:75,827,307, C>T on the plus strand (G>A on the coding strand, the complement: UNC13D is on the minus strand). VCF-style: chr17-75827307-C-T. GRCh37 (hg19) VCF-style: chr17-73823388-C-T.
Identifiers: ClinVar variation 889163 (VCV000889163.4), dbSNP rs115709152, ClinGen allele CA294083780.
Genomic context (GRCh38, chr17:75,827,307, plus strand): 5'-TTTTTATTAATTTTTTTGCTAAGAAAGTTTCTAGGTGGCAGGTGCTGTCCGGGGAGGGGG[C>T]GTGCGCAGCAGACACAGCAGCCAAACTGTCCTTTCTGCTTCCGTCTGTCTGTGCCAGCCC-3'